The following is an entry in ClinVar:

NM_031483.7(ITCH):c.1210+359A>T

Gene: ITCH (itchy E3 ubiquitin protein ligase; plus strand). Cytogenetic location: 20q11.22.
Variant type: single nucleotide variant.
Coding change: c.1210+359A>T on transcript NM_031483.7 (MANE Select); 359 bases into the intron after coding-DNA position 1210, A replaced by T.
Molecular consequence: intron variant.
Genome position (GRCh38, 1-based): chr20:34,449,839, A>T. VCF-style: chr20-34449839-A-T. GRCh37 (hg19) VCF-style: chr20-33037644-A-T.
Other names: c.1333+359A>T (NM_001324197.2, NM_001257137.3); c.1210+359A>T (NM_001324198.2); c.880+359A>T (NM_001257138.3).
Identifiers: ClinVar variation 2688209 (VCV002688209.2), dbSNP rs6088502, ClinGen allele CA15966481.

ClinVar aggregate classification (germline): Benign (1 of 4 stars; one submission).

Allele frequency attached by ClinVar (database versions not stated): 1000 Genomes Project 30x 0.43207; 1000 Genomes Project 0.43371; TOPMed 0.46298; gnomAD 0.48109.
gnomAD v4.1: 73,066 of 151,960 alleles (48%); highest among the groups gnomAD compares: Middle Eastern, 51%; 17,856 homozygotes.

Submission:

Unidad de Genómica Garrahan, Hospital de Pediatría Garrahan
Classification: Benign. Last evaluated: 2024-01-24. Review status: criteria provided, single submitter. Criteria: ACMG Guidelines, 2015. Collection method: clinical testing. Allele origin: germline. Affected: no. Observed: 33 variant alleles.
Comment: This variant is classified as Benign based on local population frequency. This variant was detected in 35% of patients studied by a panel of primary immunodeficiencies. Number of patients: 33. Only high quality variants are reported.